The following is an entry in ClinVar:

NM_017654.4(SAMD9):c.4664C>G (p.Pro1555Arg)

Gene: SAMD9 (sterile alpha motif domain containing 9; minus strand). Cytogenetic location: 7q21.2.
Variant type: single nucleotide variant.
Coding change: c.4664C>G on transcript NM_017654.4 (MANE Select); coding-DNA position 4664, C replaced by G.
Protein change: p.Pro1555Arg; replaces proline 1555 with arginine.
Molecular consequence: missense variant.
Genome position (GRCh38, 1-based): chr7:93,101,434, G>C on the plus strand (C>G on the coding strand, the complement: SAMD9 is on the minus strand). VCF-style: chr7-93101434-G-C. GRCh37 (hg19) VCF-style: chr7-92730747-G-C.
Other names: c.4664C>G, p.Pro1555Arg (NM_001193307.2); short protein forms P1555R.
Identifiers: ClinVar variation 1708307 (VCV001708307.3), dbSNP rs2535352677, ClinGen allele CA368176626.
Genomic context (GRCh38, chr7:93,101,434, plus strand): 5'-CCCAGGTAAAAAGACACCTTCTCTATGCTTCTGCCACTTCTAAGTTGACCTAAAAAAGCG[G>C]GAGTGATGGGTATTGTGATTTTTTCATTGATTCCATATTCTATATATAAACAATTGTTTT-3'
Protein context (NP_060124.2, residues 1545-1565): INEKITIPIT[Pro1555Arg]AFLGQLRSGR

ClinVar aggregate classification (germline): Uncertain significance (1 of 4 stars; one submission).

Submission:

Centre of Medical Genetics, University Hospital Muenster
Classification: Uncertain significance. Last evaluated: 2021-12-04. Review status: criteria provided, single submitter. Criteria: ACMG Guidelines, 2015. Collection method: clinical testing. Allele origin: unknown. Affected: yes. Observed: 1 variant allele, 1 heterozygote.
Comment: ACMG categories: PM1,PM2,PP4